The following is an entry in ClinVar:

ClinVar aggregate classification (germline): Uncertain significance (1 of 4 stars; one submission).

Submission:

GeneDx
Classification: Uncertain significance. Last evaluated: 2024-05-03. Review status: criteria provided, single submitter. Criteria: GeneDx Variant Classification Process June 2021. Collection method: clinical testing. Allele origin: germline. Affected: yes.
Comment: Not observed at significant frequency in large population cohorts (gnomAD); In silico analysis supports that this missense variant has a deleterious effect on protein structure/function; Has not been previously published as pathogenic or benign to our knowledge.

NM_144973.4(DENND5B):c.190C>T (p.Pro64Ser)

Gene: DENND5B (DENN domain containing 5B; minus strand). Cytogenetic location: 12p11.21.
Variant type: single nucleotide variant.
Coding change: c.190C>T on transcript NM_144973.4 (MANE Select); coding-DNA position 190, C replaced by T.
Protein change: p.Pro64Ser; replaces proline 64 with serine.
Molecular consequence: missense variant.
Genome position (GRCh38, 1-based): chr12:31,495,857, G>A on the plus strand (C>T on the coding strand, the complement: DENND5B is on the minus strand). VCF-style: chr12-31495857-G-A. GRCh37 (hg19) VCF-style: chr12-31648791-G-A.
Other names: c.295C>T, p.Pro99Ser (NM_001308339.2); c.256C>T, p.Pro86Ser (NM_001366890.1, NM_001366893.1); c.190C>T, p.Pro64Ser (NM_001366891.1, NM_001366892.1); short protein forms P64S, P86S, P99S.
Identifiers: ClinVar variation 3373335 (VCV003373335.1).